The following is an entry in ClinVar:

NM_000553.6(WRN):c.2185G>A (p.Gly729Ser)

Gene: WRN (WRN RecQ like helicase; plus strand). Cytogenetic location: 8p12.
Variant type: single nucleotide variant.
Coding change: c.2185G>A on transcript NM_000553.6 (MANE Select); coding-DNA position 2185, G replaced by A.
Protein change: p.Gly729Ser; replaces glycine 729 with serine.
Molecular consequence: missense variant.
Genome position (GRCh38, 1-based): chr8:31,111,711, G>A. VCF-style: chr8-31111711-G-A. GRCh37 (hg19) VCF-style: chr8-30969227-G-A.
Other names: c.2185G>A (NM_000553.4); short protein forms G729S.
Identifiers: ClinVar variation 1520427 (VCV001520427.7), dbSNP rs558054655, ClinGen allele CA4704665.

ClinVar aggregate classification (germline): Conflicting classifications of pathogenicity. Review status: criteria provided, conflicting classifications (1 of 4 stars). 2 submissions from 2 submitters: Uncertain significance (1); Likely benign (1). Last evaluated 2025-05-13.

Conditions:
Werner syndrome (WRN). Identifiers: Orphanet 902, MedGen C0043119, MONDO:0010196, OMIM 277700.
Inborn genetic diseases. Identifiers: MedGen C0950123, MeSH D030342.

Allele frequency attached by ClinVar (database versions not stated): gnomAD exomes below 0.00001 and 0.00001; ExAC 0.00002; gnomAD 0.00003; TOPMed 0.00003.
gnomAD v4.1: 7 of 1,614,056 alleles (0.00043%); highest among the groups gnomAD compares: African/African-American, 0.008%; no homozygotes.

Submissions (2):

Ambry Genetics
Classification: Likely benign for Inborn genetic diseases. Last evaluated: 2025-05-13. Review status: criteria provided, single submitter. Criteria: Ambry Variant Classification Scheme 2023. Collection method: clinical testing. Allele origin: germline.

Labcorp Genetics (formerly Invitae), Labcorp
Classification: Uncertain significance for Werner syndrome. Last evaluated: 2024-04-10. Review status: criteria provided, single submitter. Criteria: Invitae Variant Classification Sherloc (09022015). Collection method: clinical testing. Allele origin: germline.
Comment: This sequence change replaces glycine, which is neutral and non-polar, with serine, which is neutral and polar, at codon 729 of the WRN protein (p.Gly729Ser). This variant is present in population databases (rs558054655, gnomAD 0.02%). This variant has not been reported in the literature in individuals affected with WRN-related conditions. ClinVar contains an entry for this variant (Variation ID: 1520427). Algorithms developed to predict the effect of missense changes on protein structure and function output the following: SIFT: "Not Available"; PolyPhen-2: "Benign"; Align-GVGD: "Not Available". The serine amino acid residue is found in multiple mammalian species, which suggests that this missense change does not adversely affect protein function. In summary, the available evidence is currently insufficient to determine the role of this variant in disease. Therefore, it has been classified as a Variant of Uncertain Significance.